The following is an entry in ClinVar:

ClinVar aggregate classification (germline): Uncertain significance (1 of 4 stars; one submission).

Conditions:
TBXA2R-related disorder. Also called: TBXA2R-related condition.

Submission:

PreventionGenetics, part of Exact Sciences
Classification: Uncertain significance for TBXA2R-related condition. Last evaluated: 2025-05-09. Review status: criteria provided, single submitter. Criteria: ACMG Guidelines, 2015. Collection method: clinical testing. Allele origin: germline.
Comment: The TBXA2R c.395T>C variant is predicted to result in the amino acid substitution p.Leu132Pro. To our knowledge, this variant has not been reported in the literature. This variant is reported in 0.017% of alleles in individuals of East Asian descent in gnomAD. At this time, the clinical significance of this variant is uncertain due to the absence of conclusive functional and genetic evidence.

NM_001060.6(TBXA2R):c.395T>C (p.Leu132Pro)

Gene: TBXA2R (thromboxane A2 receptor; minus strand). Cytogenetic location: 19p13.3.
Variant type: single nucleotide variant.
Coding change: c.395T>C on transcript NM_001060.6 (MANE Select); coding-DNA position 395, T replaced by C.
Protein change: p.Leu132Pro; replaces leucine 132 with proline.
Molecular consequence: missense variant.
Genome position (GRCh38, 1-based): chr19:3,600,240, A>G on the plus strand (T>C on the coding strand, the complement: TBXA2R is on the minus strand). VCF-style: chr19-3600240-A-G. GRCh37 (hg19) VCF-style: chr19-3600238-A-G.
Other names: c.395T>C, p.Leu132Pro (NM_201636.3); short protein forms L132P.
Identifiers: ClinVar variation 4984079 (VCV004984079.1).